The following is an entry in ClinVar:

ClinVar aggregate classification (germline): Uncertain significance. Review status: criteria provided, multiple submitters, no conflicts (2 of 4 stars). 2 submissions from 2 submitters: Uncertain significance (2). Last evaluated 2025-07-30.

Conditions:
Kabuki syndrome. Also called: NIIKAWA-KUROKI SYNDROME; Kabuki make-up syndrome. Identifiers: Orphanet 2322, MedGen C0796004, MONDO:0016512.
Inborn genetic diseases. Identifiers: MedGen C0950123, MeSH D030342.

Submissions (2):

Labcorp Genetics (formerly Invitae), Labcorp
Classification: Uncertain significance for Kabuki syndrome. Last evaluated: 2025-07-30. Review status: criteria provided, single submitter. Criteria: Invitae Variant Classification Sherloc (09022015). Collection method: clinical testing. Allele origin: germline.
Comment: This variant, c.4641_4643del, results in the deletion of 1 amino acid(s) of the KMT2D protein (p.Asp1548del), but otherwise preserves the integrity of the reading frame. This variant is present in population databases (rs781089409, gnomAD 0.0009%). This variant has not been reported in the literature in individuals affected with KMT2D-related conditions. ClinVar contains an entry for this variant (Variation ID: 3289166). Experimental studies and prediction algorithms are not available or were not evaluated, and the functional significance of this variant is currently unknown. In summary, the available evidence is currently insufficient to determine the role of this variant in disease. Therefore, it has been classified as a Variant of Uncertain Significance.

Ambry Genetics
Classification: Uncertain significance for Inborn genetic diseases. Last evaluated: 2024-04-05. Review status: criteria provided, single submitter. Criteria: Ambry Variant Classification Scheme 2023. Collection method: clinical testing. Allele origin: germline.
Comment: The c.4641_4643delCGA (p.D1548del) alteration is located in exon 17 (coding exon 17) of the KMT2D gene. This alteration consists of an in-frame deletion of 3 nucleotides between nucleotide positions c.4641 and c.4643, resulting in the deletion of 1 residue. Based on insufficient or conflicting evidence, the clinical significance of this alteration remains unclear.

NM_003482.4(KMT2D):c.4641_4643del (p.Asp1548del)

Gene: KMT2D (lysine methyltransferase 2D; minus strand). Cytogenetic location: 12q13.12.
Variant type: Deletion.
Coding change: c.4641_4643del on transcript NM_003482.4 (MANE Select); coding-DNA positions 4641 to 4643, 3 bases deleted (CGA; older notation c.4641_4643delCGA).
Protein change: p.Asp1548del; deletes aspartic acid 1548.
Molecular consequence: inframe deletion.
Genome position (GRCh38, 1-based): chr12:49,046,115-49,046,117, TCG deleted on the plus strand (CGA on the coding strand, the reverse complement: KMT2D is on the minus strand). VCF-style (leftmost placement, unchanged base first): chr12-49046114-ATCG-A. GRCh37 (hg19) VCF-style: chr12-49439897-ATCG-A.
Other names: short protein forms D1548del.
Identifiers: ClinVar variation 3289166 (VCV003289166.3).